The following is an entry in ClinVar:

NM_005219.5(DIAPH1):c.3023G>A (p.Arg1008Gln)

Gene: DIAPH1 (diaphanous related formin 1; minus strand). Cytogenetic location: 5q31.3.
Variant type: single nucleotide variant.
Coding change: c.3023G>A on transcript NM_005219.5 (MANE Select); coding-DNA position 3023, G replaced by A.
Protein change: p.Arg1008Gln; replaces arginine 1008 with glutamine.
Molecular consequence: missense variant.
Genome position (GRCh38, 1-based): chr5:141,528,578, C>T on the plus strand (G>A on the coding strand, the complement: DIAPH1 is on the minus strand). VCF-style: chr5-141528578-C-T. GRCh37 (hg19) VCF-style: chr5-140908145-C-T.
Other names: c.2996G>A, p.Arg999Gln (NM_001079812.3); c.3023G>A, p.Arg1008Gln (NM_001314007.2); short protein forms R999Q, R1008Q.
Identifiers: ClinVar variation 854716 (VCV000854716.11), dbSNP rs1006618137, ClinGen allele CA361583578.
Genomic context (GRCh38, chr5:141,528,578, plus strand): 5'-TCACACAACTCAGCCAAGAAGTGTAACAACGTCATCTTCTGATCTGTGGACTTGGTGTCT[C>T]GAAGCTTAGAGAAAGAGGAGAAACTGTTAAATCCTGACATGTCCAAGATGGCCTCCTGCC-3'
Protein context (NP_005210.3, residues 998-1018): GFNISFLCKL[Arg1008Gln]DTKSTDQKMT

ClinVar aggregate classification (germline): Uncertain significance (1 of 4 stars; one submission).

Conditions:
Progressive microcephaly-seizures-cortical blindness-developmental delay syndrome. Also called: Seizures, cortical blindness, and microcephaly syndrome. Identifiers: Orphanet 477814, MedGen C5567650, MONDO:0014714, OMIM 616632.
Autosomal dominant nonsyndromic hearing loss 1. Also called: DEAFNESS, AUTOSOMAL DOMINANT 1, WITH OR WITHOUT THROMBOCYTOPENIA; KONIGSMARK SYNDROME. Identifiers: Orphanet 90635, MedGen C1852282, MONDO:0007424, OMIM 124900.

Allele frequency attached by ClinVar (database versions not stated): gnomAD 0.00001; TOPMed 0.00001.
gnomAD v4.1: 10 of 1,614,024 alleles (0.00062%); highest among the groups gnomAD compares: South Asian, 0.0033%; no homozygotes.

Submissions (2):

Labcorp Genetics (formerly Invitae), Labcorp
Classification: Uncertain significance for Progressive microcephaly-seizures-cortical blindness-developmental delay syndrome; Autosomal dominant nonsyndromic hearing loss 1. Last evaluated: 2023-08-27. Review status: criteria provided, single submitter. Criteria: Invitae Variant Classification Sherloc (09022015). Collection method: clinical testing. Allele origin: germline.
Comment: This sequence change replaces arginine, which is basic and polar, with glutamine, which is neutral and polar, at codon 1008 of the DIAPH1 protein (p.Arg1008Gln). This variant is present in population databases (no rsID available, gnomAD 0.007%). This variant has not been reported in the literature in individuals affected with DIAPH1-related conditions. ClinVar contains an entry for this variant (Variation ID: 854716). An algorithm developed to predict the effect of missense changes on protein structure and function (PolyPhen-2) suggests that this variant is likely to be disruptive. In summary, the available evidence is currently insufficient to determine the role of this variant in disease. Therefore, it has been classified as a Variant of Uncertain Significance.

Dr. Peter K. Rogan Lab, Western University
No classification provided (evidence only). Condition: Colon adenocarcinoma. Review status: no classification provided. Collection method: in vitro. Allele origin: not applicable. Functional consequence: retained intron. Not counted in ClinVar's aggregate classification.